The following is an entry in ClinVar:

NM_015541.3(LRIG1):c.1648G>A (p.Ala550Thr)

Gene: LRIG1 (leucine rich repeats and immunoglobulin like domains 1; minus strand). Cytogenetic location: 3p14.1.
Variant type: single nucleotide variant.
Coding change: c.1648G>A on transcript NM_015541.3 (MANE Select); coding-DNA position 1648, G replaced by A.
Protein change: p.Ala550Thr; replaces alanine 550 with threonine.
Molecular consequence: missense variant.
Genome position (GRCh38, 1-based): chr3:66,386,122, C>T on the plus strand (G>A on the coding strand, the complement: LRIG1 is on the minus strand). VCF-style: chr3-66386122-C-T. GRCh37 (hg19) VCF-style: chr3-66436546-C-T.
Other names: c.1573G>A, p.Ala525Thr (NM_001377344.1); c.868G>A, p.Ala290Thr (NM_001377345.1, NM_001377346.1); c.646G>A, p.Ala216Thr (NM_001377347.1); c.619G>A, p.Ala207Thr (NM_001377348.1); c.364G>A, p.Ala122Thr (NM_001377349.1); short protein forms A122T, A207T, A216T, A290T, A525T, A550T.
Identifiers: ClinVar variation 1296896 (VCV001296896.5), dbSNP rs61751731, ClinGen allele CA2484680.
Genomic context (GRCh38, chr3:66,386,122, plus strand): 5'-CGAAAGTGACCTGACGGAGGTGCAGGATGGTGGTGTACTCCATCACTTCCCCGTCCTGCG[C>T]GTGGACGTGGACAAAGTTCTCCATGTCTGCATTGGTCAGGACTTCATTGTCTTTCTTCCA-3'
Protein context (NP_056356.2, residues 540-560): ADMENFVHVH[Ala550Thr]QDGEVMEYTT

ClinVar aggregate classification (germline): Benign. Review status: criteria provided, multiple submitters, no conflicts (2 of 4 stars). 3 submissions from 3 submitters: Benign (2). 1 of the submissions does not count toward it. Last evaluated 2019-01-18.

Conditions:
LRIG1-related disorder. Also called: LRIG1-related condition.

Allele frequency attached by ClinVar (database versions not stated): gnomAD exomes 0.01163; ExAC 0.01390; gnomAD 0.04267 and 0.04579; 1000 Genomes Project 0.04373; ESP Exome Variant Server 0.04767; TOPMed 0.04777; 1000 Genomes Project 30x 0.04778.
gnomAD v4.1: 13,130 of 1,614,072 alleles (0.81%); highest among the groups gnomAD compares: African/African-American, 14%; 822 homozygotes.

Submissions (3):

GeneDx
Classification: Benign. Last evaluated: 2019-01-18. Review status: criteria provided, single submitter. Criteria: GeneDx Variant Classification Process June 2021. Collection method: clinical testing. Allele origin: germline. Affected: yes.
Comment: This variant is associated with the following publications: (PMID: 30180840)

Breakthrough Genomics
Classification: Benign. Review status: criteria provided, single submitter. Criteria: ACMG Guidelines, 2015. Collection method: not provided. Allele origin: germline. Inheritance: Unknown mechanism. Affected: yes.

PreventionGenetics, part of Exact Sciences
Classification: Benign for LRIG1-related condition. Last evaluated: 2019-02-18. Review status: no assertion criteria provided. Collection method: clinical testing. Allele origin: germline. Not counted in ClinVar's aggregate classification.
Comment: This variant is classified as benign based on ACMG/AMP sequence variant interpretation guidelines (Richards et al. 2015 PMID: 25741868, with internal and published modifications).